The following is an entry in ClinVar:

ClinVar aggregate classification (germline): Conflicting classifications of pathogenicity. Review status: criteria provided, conflicting classifications (1 of 4 stars). 8 submissions from 8 submitters: Uncertain significance (7); Likely benign (1). Last evaluated 2026-06-15.

Conditions:
BBS7-related disorder. Also called: BBS7-related condition.
Inborn genetic diseases. Identifiers: MedGen C0950123, MeSH D030342.
Bardet-Biedl syndrome (BBS). Identifiers: Orphanet 110, MedGen C0752166, MONDO:0015229.
Bardet-Biedl syndrome 7 (BBS7). Identifiers: Orphanet 110, MedGen C1859565, MONDO:0014435, OMIM 615984.

Allele frequency attached by ClinVar (database versions not stated): gnomAD exomes 0.00003 and 0.00007; ExAC 0.00007; 1000 Genomes Project 30x 0.00016; 1000 Genomes Project 0.00020; ESP Exome Variant Server 0.00023; gnomAD 0.00034 and 0.00039; TOPMed 0.00051.
gnomAD v4.1: 102 of 1,613,860 alleles (0.0063%); highest among the groups gnomAD compares: African/African-American, 0.1%; no homozygotes.

Submissions (8):

PreventionGenetics, part of Exact Sciences
Classification: Uncertain significance for BBS7-related condition. Last evaluated: 2026-06-15. Review status: criteria provided, single submitter. Criteria: ACMG Guidelines, 2015. Collection method: clinical testing. Allele origin: germline.
Comment: The BBS7 c.223A>G variant is predicted to result in the amino acid substitution p.Ile75Val. To our knowledge, this variant has not been reported in the literature in individuals with BBS7-related disorders. This variant is reported in 0.10% of alleles in individuals of African descent in gnomAD, which is more common than expected for a primary cause of disease. Although we suspect this variant may be benign, at this time, the clinical significance is uncertain due to the absence of conclusive functional and genetic evidence.

Labcorp Genetics (formerly Invitae), Labcorp
Classification: Uncertain significance for Bardet-Biedl syndrome. Last evaluated: 2024-08-05. Review status: criteria provided, single submitter. Criteria: Invitae Variant Classification Sherloc (09022015). Collection method: clinical testing. Allele origin: germline.
Comment: This sequence change replaces isoleucine, which is neutral and non-polar, with valine, which is neutral and non-polar, at codon 75 of the BBS7 protein (p.Ile75Val). This variant is present in population databases (rs138872188, gnomAD 0.1%). This variant has not been reported in the literature in individuals affected with BBS7-related conditions. ClinVar contains an entry for this variant (Variation ID: 197387). Advanced modeling of protein sequence and biophysical properties (such as structural, functional, and spatial information, amino acid conservation, physicochemical variation, residue mobility, and thermodynamic stability) performed at Invitae indicates that this missense variant is not expected to disrupt BBS7 protein function with a negative predictive value of 80%. In summary, the available evidence is currently insufficient to determine the role of this variant in disease. Therefore, it has been classified as a Variant of Uncertain Significance.

Women's Health and Genetics/Laboratory Corporation of America, LabCorp
Classification: Uncertain significance. Last evaluated: 2024-08-01. Review status: criteria provided, single submitter. Criteria: LabCorp Variant Classification Summary - May 2015. Collection method: clinical testing. Allele origin: germline.
Comment: Variant summary: BBS7 c.223A>G (p.Ile75Val) results in a conservative amino acid change in the encoded protein sequence. Five of five in-silico tools predict a benign effect of the variant on protein function. The variant allele was found at a frequency of 6.3e-05 in 1613860 control chromosomes, predominantly at a frequency of 0.001 within the African or African-American subpopulation in the gnomAD database. The observed variant frequency within African or African-American control individuals in the gnomAD database is approximately 2-fold of the estimated maximal expected allele frequency for a pathogenic variant in BBS7 causing Bardet-Biedl Syndrome phenotype (0.00062). To our knowledge, no occurrence of c.223A>G in individuals affected with Bardet-Biedl Syndrome and no experimental evidence demonstrating its impact on protein function have been reported. ClinVar contains an entry for this variant (Variation ID: 197387). Based on the evidence outlined above, the variant was classified as VUS-possibly benign.

Fulgent Genetics
Classification: Uncertain significance for Bardet-Biedl syndrome 7. Last evaluated: 2024-06-18. Review status: criteria provided, single submitter. Criteria: ACMG Guidelines, 2015. Collection method: clinical testing. Allele origin: germline.

Blueprint Genetics
Classification: Likely benign. Last evaluated: 2024-04-22. Review status: criteria provided, single submitter. Criteria: ACMG Guidelines, 2015. Collection method: clinical testing. Allele origin: germline.

Ambry Genetics
Classification: Uncertain significance for Inborn genetic diseases. Last evaluated: 2022-01-31. Review status: criteria provided, single submitter. Criteria: Ambry Variant Classification Scheme 2023. Collection method: clinical testing. Allele origin: germline.

Eurofins Ntd Llc (ga)
Classification: Uncertain significance. Last evaluated: 2015-03-05. Review status: criteria provided, single submitter. Criteria: EGL Classification Definitions 2015. Collection method: clinical testing. Allele origin: germline. Observed: 1 variant allele, 1 heterozygote.

Breakthrough Genomics
Classification: Uncertain significance. Review status: criteria provided, single submitter. Criteria: ACMG Guidelines, 2015. Collection method: not provided. Allele origin: germline. Inheritance: Autosomal recessive inheritance. Affected: yes.

NM_176824.3(BBS7):c.223A>G (p.Ile75Val)

Gene: BBS7 (Bardet-Biedl syndrome 7; minus strand). Cytogenetic location: 4q27.
Variant type: single nucleotide variant.
Coding change: c.223A>G on transcript NM_176824.3 (MANE Select); coding-DNA position 223, A replaced by G.
Protein change: p.Ile75Val; replaces isoleucine 75 with valine.
Molecular consequence: missense variant.
Genome position (GRCh38, 1-based): chr4:121,861,622, T>C on the plus strand (A>G on the coding strand, the complement: BBS7 is on the minus strand). VCF-style: chr4-121861622-T-C. GRCh37 (hg19) VCF-style: chr4-122782777-T-C.
Other names: c.223A>G, p.Ile75Val (NM_018190.4); short protein forms I75V.
Identifiers: ClinVar variation 197387 (VCV000197387.18), dbSNP rs138872188, ClinGen allele CA245496.
Genomic context (GRCh38, chr4:121,861,622, plus strand): 5'-TTGTGAAGCCTCTAATCTCAGATGCTGCAGCAATAAAAATTTTCTCCTGAGGTGTGTTGA[T>C]AACCCCTCCCAGTTCCAGCCTTGCAATCTTCGGCCCGGGTAAAGTCTTGAACACTGCCTG-3'
Protein context (NP_789794.1, residues 65-85): KIARLELGGV[Ile75Val]NTPQEKIFIA